The following is an entry in ClinVar:

ClinVar aggregate classification (germline): Likely benign. Review status: criteria provided, multiple submitters, no conflicts (2 of 4 stars). 2 submissions from 2 submitters: Likely benign (2). Last evaluated 2025-10-14.

Conditions:
Arrhythmogenic right ventricular cardiomyopathy (ARVD). Also called: Arrhythmogenic right ventricular dysplasia; Cardiomyopathy, ARVC; Arrhythmogenic cardiomyopathy; Arrhythmogenic Right Ventricular Cardiomyopathy (ARVC). Identifiers: Orphanet 247, MedGen C0349788, MeSH D019571, MONDO:0016587. Disease mechanism: loss of function. Inheritance: Various modes of inheritance.
Arrhythmogenic right ventricular dysplasia 10. Also called: ARRHYTHMOGENIC RIGHT VENTRICULAR DYSPLASIA, FAMILIAL, 10; Arrhythmogenic Right Ventricular Dysplasia/Cardiomyopathy10; Arrhythmogenic right ventricular dysplasia/cardiomyopathy, type 10. Identifiers: MedGen C1857777, MONDO:0012434, OMIM 610193.

gnomAD v4.1: 1 of 1,613,128 alleles (0.000062%); highest among the groups gnomAD compares: Non-Finnish European, 0.000085%; no homozygotes.

Submissions (2):

Labcorp Genetics (formerly Invitae), Labcorp
Classification: Likely benign for Arrhythmogenic right ventricular dysplasia 10. Last evaluated: 2025-10-14. Review status: criteria provided, single submitter. Criteria: Invitae Variant Classification Sherloc (09022015). Collection method: clinical testing. Allele origin: germline.

All of Us Research Program, National Institutes of Health
Classification: Likely benign for Arrhythmogenic right ventricular cardiomyopathy. Last evaluated: 2024-03-14. Review status: criteria provided, single submitter. Criteria: ACMG Guidelines, 2015. Collection method: clinical testing. Allele origin: germline. Inheritance: Autosomal dominant inheritance. Observed: 1 variant allele, 1 heterozygote.
Comment: This study involves interpretation of variants in research participants for the purpose of population health screening. Participant phenotype was not available at the time of variant classification. Additional details can be found in publication PMID: 35346344, PMCID: PMC8962531

NM_001943.5(DSG2):c.474G>T (p.Val158=)

Gene: DSG2 (desmoglein 2; plus strand). Cytogenetic location: 18q12.1.
Variant type: single nucleotide variant.
Coding change: c.474G>T on transcript NM_001943.5 (MANE Select); coding-DNA position 474, G replaced by T.
Protein change: p.Val158=; no amino-acid change (valine 158 retained).
Molecular consequence: synonymous variant.
Genome position (GRCh38, 1-based): chr18:31,521,194, G>T. VCF-style: chr18-31521194-G-T. GRCh37 (hg19) VCF-style: chr18-29101157-G-T.
Identifiers: ClinVar variation 3386573 (VCV003386573.2).